The following is an entry in ClinVar:

ClinVar aggregate classification (germline): Conflicting classifications of pathogenicity. Review status: criteria provided, conflicting classifications (1 of 4 stars). 6 submissions from 2 submitters: Uncertain significance (1); Benign (2); Likely benign (3). Last evaluated 2021-05-26.

Conditions:
Achondrogenesis, type IB (ACG1B). Also called: Achondrogenesis Type 1B. Identifiers: Orphanet 932, Orphanet 93298, MedGen C0265274, MONDO:0010966, OMIM 600972.
Sulfate transporter-related osteochondrodysplasia. Also called: DTDST-related dysplasias. Identifiers: MedGen CN120497. Disease mechanism: loss of function.
Multiple epiphyseal dysplasia type 4 (EDM4). Also called: MULTIPLE EPIPHYSEAL DYSPLASIA WITH BILAYERED PATELLAE; MULTIPLE EPIPHYSEAL DYSPLASIA WITH CLUBFOOT; MULTIPLE EPIPHYSEAL DYSPLASIA, AUTOSOMAL RECESSIVE; SLC26A2-Related Multiple Epiphyseal Dysplasia; Multiple Epiphyseal Dysplasia, Recessive. Identifiers: Orphanet 93307, MedGen C1847593, MONDO:0009189, OMIM 226900.
Diastrophic dysplasia (DTD). Also called: Diastrophic dwarfism. Identifiers: Orphanet 628, MedGen C0220726, MONDO:0009107, OMIM 222600.
Atelosteogenesis type II (AO2). Also called: NEONATAL OSSEOUS DYSPLASIA I; Neonatal osseous dysplasia 1; SLC26A2-Related Atelosteogenesis. Identifiers: Orphanet 56304, MedGen C1850554, MONDO:0009727, OMIM 256050.

Allele frequency attached by ClinVar (database versions not stated): 1000 Genomes Project 0.00739; 1000 Genomes Project 30x 0.00796; gnomAD 0.00981; TOPMed 0.01019.

Submissions (6):

GeneDx
Classification: Likely benign. Last evaluated: 2021-05-26. Review status: criteria provided, single submitter. Criteria: GeneDx Variant Classification Process June 2021. Collection method: clinical testing. Allele origin: germline. Affected: yes.

Illumina Laboratory Services, Illumina
Classification: Likely benign for Multiple epiphyseal dysplasia type 4. Last evaluated: 2018-01-13. Review status: criteria provided, single submitter. Criteria: ICSL Variant Classification Criteria 13 December 2019. Collection method: clinical testing. Allele origin: germline.
Comment: This variant was observed in the ICSL laboratory as part of a predisposition screen in an ostensibly healthy population. It had not been previously curated by ICSL or reported in the Human Gene Mutation Database (HGMD: prior to June 1st, 2018), and was therefore a candidate for classification through an automated scoring system. Utilizing variant allele frequency, disease prevalence and penetrance estimates, and inheritance mode, an automated score was calculated to assess if this variant is too frequent to cause the disease. Based on the score and internal cut-off values, a variant classified as likely benign is not then subjected to further curation. The score for this variant resulted in a classification of likely benign for this disease.

Illumina Laboratory Services, Illumina
Classification: Uncertain significance for Osteochondrodysplasia. Last evaluated: 2018-01-13. Review status: criteria provided, single submitter. Criteria: ICSL Variant Classification Criteria 13 December 2019. Collection method: clinical testing. Allele origin: germline.

Illumina Laboratory Services, Illumina
Classification: Benign for Achondrogenesis, type IB. Last evaluated: 2018-01-13. Review status: criteria provided, single submitter. Criteria: ICSL Variant Classification Criteria 13 December 2019. Collection method: clinical testing. Allele origin: germline.
Comment: This variant was observed in the ICSL laboratory as part of a predisposition screen in an ostensibly healthy population. It had not been previously curated by ICSL or reported in the Human Gene Mutation Database (HGMD: prior to June 1st, 2018), and was therefore a candidate for classification through an automated scoring system. Utilizing variant allele frequency, disease prevalence and penetrance estimates, and inheritance mode, an automated score was calculated to assess if this variant is too frequent to cause the disease. Based on the score and internal cut-off values, a variant classified as benign is not then subjected to further curation. The score for this variant resulted in a classification of benign for this disease.

Illumina Laboratory Services, Illumina
Classification: Benign for Atelosteogenesis type II. Last evaluated: 2018-01-13. Review status: criteria provided, single submitter. Criteria: ICSL Variant Classification Criteria 13 December 2019. Collection method: clinical testing. Allele origin: germline.
Comment: the same text as in the submission from Illumina Laboratory Services, Illumina above.

Illumina Laboratory Services, Illumina
Classification: Likely benign for Diastrophic dysplasia. Last evaluated: 2018-01-13. Review status: criteria provided, single submitter. Criteria: ICSL Variant Classification Criteria 13 December 2019. Collection method: clinical testing. Allele origin: germline.
Comment: the same text as in the submission from Illumina Laboratory Services, Illumina above.

NM_000112.4(SLC26A2):c.*4930C>T

Gene: SLC26A2 (solute carrier family 26 member 2; plus strand). Cytogenetic location: 5q32.
Variant type: single nucleotide variant.
Coding change: c.*4930C>T on transcript NM_000112.4 (MANE Select); 4930 bases downstream of the stop codon, C replaced by T.
Molecular consequence: 3 prime UTR variant.
Genome position (GRCh38, 1-based): chr5:149,986,743, C>T. VCF-style: chr5-149986743-C-T. GRCh37 (hg19) VCF-style: chr5-149366306-C-T.
Identifiers: ClinVar variation 352094 (VCV000352094.6), dbSNP rs79521091, ClinGen allele CA10619696.